The following is an entry in ClinVar:

NM_003106.4(SOX2):c.462C>A (p.Asn154Lys)

Genes: SOX2-OT (SOX2 overlapping transcript; plus strand), SOX2 (SRY-box transcription factor 2; plus strand), LOC108281177 (SOX2 5' regulatory region; plus strand). Cytogenetic location: 3q26.33.
Variant type: single nucleotide variant.
Coding change: c.462C>A on transcript NM_003106.4 (MANE Select); coding-DNA position 462, C replaced by A.
Protein change: p.Asn154Lys; replaces asparagine 154 with lysine.
Molecular consequence: missense variant.
Genome position (GRCh38, 1-based): chr3:181,712,822, C>A. VCF-style: chr3-181712822-C-A. GRCh37 (hg19) VCF-style: chr3-181430610-C-A.
Other names: short protein forms N154K.
Identifiers: ClinVar variation 1716441 (VCV001716441.6), dbSNP rs750665327, ClinGen allele CA355473920.
Genomic context (GRCh38, chr3:181,712,822, plus strand): 5'-CGGCGGCAATAGCATGGCGAGCGGGGTCGGGGTGGGCGCCGGCCTGGGCGCGGGCGTGAA[C>A]CAGCGCATGGACAGTTACGCGCACATGAACGGCTGGAGCAACGGCAGCTACAGCATGATG-3'
Protein context (NP_003097.1, residues 144-164): GVGAGLGAGV[Asn154Lys]QRMDSYAHMN

ClinVar aggregate classification (germline): Uncertain significance (1 of 4 stars; one submission).

Conditions:
Anophthalmia/microphthalmia-esophageal atresia syndrome (MCOPS3). Also called: AEG SYNDROME; MICROPHTHALMIA AND ESOPHAGEAL ATRESIA SYNDROME; SOX2 Disorder. Identifiers: Orphanet 77298, MedGen C1859773, MONDO:0008799, OMIM 206900.

Submission:

Labcorp Genetics (formerly Invitae), Labcorp
Classification: Uncertain significance for Anophthalmia/microphthalmia-esophageal atresia syndrome. Last evaluated: 2022-08-14. Review status: criteria provided, single submitter. Criteria: Invitae Variant Classification Sherloc (09022015). Collection method: clinical testing. Allele origin: germline.
Comment: This variant is not present in population databases (gnomAD no frequency). In summary, the available evidence is currently insufficient to determine the role of this variant in disease. Therefore, it has been classified as a Variant of Uncertain Significance. Algorithms developed to predict the effect of missense changes on protein structure and function are either unavailable or do not agree on the potential impact of this missense change (SIFT: "Deleterious"; PolyPhen-2: "Benign"; Align-GVGD: "Class C65"). This variant has not been reported in the literature in individuals affected with SOX2-related conditions. This sequence change replaces asparagine, which is neutral and polar, with lysine, which is basic and polar, at codon 154 of the SOX2 protein (p.Asn154Lys).